The following is an entry in ClinVar:

NM_001286574.2(ARMC12):c.163+28C>T

Gene: ARMC12 (armadillo repeat containing 12; plus strand). Cytogenetic location: 6p21.31.
Variant type: single nucleotide variant.
Coding change: c.163+28C>T on transcript NM_001286574.2 (MANE Select); 28 bases into the intron after coding-DNA position 163, C replaced by T.
Molecular consequence: intron variant. On other transcripts: missense variant (1).
Genome position (GRCh38, 1-based): chr6:35,737,299, C>T. VCF-style: chr6-35737299-C-T. GRCh37 (hg19) VCF-style: chr6-35705076-C-T.
Other names: c.191C>T, p.Ala64Val (NM_145028.5); c.163+28C>T (NM_001286576.2); short protein forms A64V.
Identifiers: ClinVar variation 92028 (VCV000092028.2), dbSNP rs386352286, ClinGen allele CA232380.

ClinVar aggregate classification (germline): Uncertain significance (0 of 4 stars; one submission).

Submission:

Richard Lifton Laboratory, Yale University School of Medicine
Classification: Uncertain significance. Review status: no assertion criteria provided. Collection method: not provided. Allele origin: somatic.
Comment: C6orf81
ClinVar note: Converted during submission from unknown to Uncertain significance.